The following is an entry in ClinVar:

ClinVar aggregate classification (germline): Benign. Review status: criteria provided, multiple submitters, no conflicts (2 of 4 stars). 3 submissions from 3 submitters: Benign (3). Last evaluated 2018-01-12.

Conditions:
Pontocerebellar hypoplasia type 1B. Also called: EXOSC3 Pontocerebellar Hypoplasia. Identifiers: Orphanet 2254, MedGen C3553449, MONDO:0013853, OMIM 614678.

Allele frequency attached by ClinVar (database versions not stated): gnomAD exomes 0.00307; ExAC 0.00479; gnomAD 0.00881 and 0.00907; TOPMed 0.00928; ESP Exome Variant Server 0.00949; 1000 Genomes Project 30x 0.01327; 1000 Genomes Project 0.01338.

Submissions (3):

Illumina Laboratory Services, Illumina
Classification: Benign for Pontocerebellar hypoplasia type 1B. Last evaluated: 2018-01-12. Review status: criteria provided, single submitter. Criteria: ICSL Variant Classification Criteria 13 December 2019. Collection method: clinical testing. Allele origin: germline.
Comment: This variant was observed in the ICSL laboratory as part of a predisposition screen in an ostensibly healthy population. It had not been previously curated by ICSL or reported in the Human Gene Mutation Database (HGMD: prior to June 1st, 2018), and was therefore a candidate for classification through an automated scoring system. Utilizing variant allele frequency, disease prevalence and penetrance estimates, and inheritance mode, an automated score was calculated to assess if this variant is too frequent to cause the disease. Based on the score and internal cut-off values, a variant classified as benign is not then subjected to further curation. The score for this variant resulted in a classification of benign for this disease.

GeneDx
Classification: Benign. Last evaluated: 2016-10-03. Review status: criteria provided, single submitter. Criteria: GeneDx Variant Classification (06012015). Collection method: clinical testing. Allele origin: germline. Affected: yes.
Comment: This variant is considered likely benign or benign based on one or more of the following criteria: it is a conservative change, it occurs at a poorly conserved position in the protein, it is predicted to be benign by multiple in silico algorithms, and/or has population frequency not consistent with disease.

Breakthrough Genomics
Classification: Benign. Review status: criteria provided, single submitter. Criteria: ACMG Guidelines, 2015. Collection method: not provided. Allele origin: germline. Inheritance: Autosomal recessive inheritance. Affected: yes.

NM_016042.4(EXOSC3):c.-12G>C

Gene: EXOSC3 (exosome component 3; minus strand). Cytogenetic location: 9p13.2.
Variant type: single nucleotide variant.
Coding change: c.-12G>C on transcript NM_016042.4 (MANE Select); 12 bases upstream of the start codon, G replaced by C.
Molecular consequence: 5 prime UTR variant.
Genome position (GRCh38, 1-based): chr9:37,785,056, C>G on the plus strand (G>C on the coding strand, the complement: EXOSC3 is on the minus strand). VCF-style: chr9-37785056-C-G. GRCh37 (hg19) VCF-style: chr9-37785053-C-G.
Other names: c.-12G>C (NM_001002269.2).
Identifiers: ClinVar variation 366880 (VCV000366880.6), dbSNP rs115431773, ClinGen allele CA5062904.